The following is an entry in ClinVar:

ClinVar aggregate classification (germline): Uncertain significance (1 of 4 stars; one submission).

Conditions:
Werner syndrome (WRN). Identifiers: Orphanet 902, MedGen C0043119, MONDO:0010196, OMIM 277700.

gnomAD v4.1: 4 of 1,614,020 alleles (0.00025%); no homozygotes.

Submission:

Labcorp Genetics (formerly Invitae), Labcorp
Classification: Uncertain significance for Werner syndrome. Last evaluated: 2022-09-01. Review status: criteria provided, single submitter. Criteria: Invitae Variant Classification Sherloc (09022015). Collection method: clinical testing. Allele origin: germline.
Comment: In summary, the available evidence is currently insufficient to determine the role of this variant in disease. Therefore, it has been classified as a Variant of Uncertain Significance. Algorithms developed to predict the effect of sequence changes on RNA splicing suggest that this variant may create or strengthen a splice site. Algorithms developed to predict the effect of missense changes on protein structure and function are either unavailable or do not agree on the potential impact of this missense change (SIFT: "Not Available"; PolyPhen-2: "Probably Damaging"; Align-GVGD: "Not Available"). ClinVar contains an entry for this variant (Variation ID: 1496353). This variant has not been reported in the literature in individuals affected with WRN-related conditions. This variant is not present in population databases (gnomAD no frequency). This sequence change replaces glutamine, which is neutral and polar, with histidine, which is basic and polar, at codon 992 of the WRN protein (p.Gln992His).

NM_000553.6(WRN):c.2976G>T (p.Gln992His)

Gene: WRN (WRN RecQ like helicase; plus strand). Cytogenetic location: 8p12.
Variant type: single nucleotide variant.
Coding change: c.2976G>T on transcript NM_000553.6 (MANE Select); coding-DNA position 2976, G replaced by T.
Protein change: p.Gln992His; replaces glutamine 992 with histidine.
Molecular consequence: missense variant.
Genome position (GRCh38, 1-based): chr8:31,141,438, G>T. VCF-style: chr8-31141438-G-T. GRCh37 (hg19) VCF-style: chr8-30998954-G-T.
Other names: short protein forms Q992H.
Identifiers: ClinVar variation 1496353 (VCV001496353.8), dbSNP rs1802623961, ClinGen allele CA370921653.